The following is an entry in ClinVar:

NM_021096.4(CACNA1I):c.6488G>A (p.Gly2163Asp)

Gene: CACNA1I (calcium voltage-gated channel subunit alpha1 I; plus strand). Cytogenetic location: 22q13.1.
Variant type: single nucleotide variant.
Coding change: c.6488G>A on transcript NM_021096.4 (MANE Select); coding-DNA position 6488, G replaced by A.
Protein change: p.Gly2163Asp; replaces glycine 2163 with aspartic acid.
Molecular consequence: missense variant.
Genome position (GRCh38, 1-based): chr22:39,686,221, G>A. VCF-style: chr22-39686221-G-A. GRCh37 (hg19) VCF-style: chr22-40082226-G-A.
Other names: c.6383G>A, p.Gly2128Asp (NM_001003406.2); short protein forms G2128D, G2163D.
Identifiers: ClinVar variation 4883816 (VCV004883816.2).
Genomic context (GRCh38, chr22:39,686,221, plus strand): 5'-CAGCCCCCGGCCTCACGCCCGCCAGGAAGTTCAGCAGCACCAGCAGCCTGGCCGCCCCCG[G>A]CCGCCCCCACGCCGCCGCCCTGGCCCACGGCCTGGCCCGGAGCCCCTCGTGGGCCGCGGA-3'
Protein context (NP_066919.2, residues 2153-2173): FSSTSSLAAP[Gly2163Asp]RPHAAALAHG

ClinVar aggregate classification (germline): Uncertain significance (1 of 4 stars; one submission).

Conditions:
Neurodevelopmental disorder with speech impairment and with or without seizures. Also called: Neurodevelopmental disorder with variable intellectual disability and speech impairment, with or without seizures. Identifiers: MedGen C5774252, MONDO:0859313, OMIM 620114.

Submission:

Dasa
Classification: Uncertain significance for neurodevelopmental disorder with speech impairment and with or without seizures. Last evaluated: 2025-06-03. Review status: criteria provided, single submitter. Criteria: DASA Assertion Criteria. Collection method: clinical testing. Allele origin: germline.
Comment: NM_021096.4(CACNA1I):c.6488G>A (p.Gly2163Asp) is a missense variant that results in the substitution of glycine with aspartic acid. This variant is rare in population databases. Computational prediction algorithms are consistent with a benign effect. The currently available literature and clinical evidence are not sufficient to establish a definitive association between this variant and the reported condition. Therefore, this variant is classified as a variant of uncertain significance.